The following is an entry in ClinVar:

ClinVar aggregate classification (germline): Uncertain significance (1 of 4 stars; one submission).

Conditions:
Idiopathic generalized epilepsy. Also called: Generalised epilepsy; EIG. Identifiers: MedGen C0270850, MONDO:0005579, OMIM 600669.

Allele frequency attached by ClinVar (database versions not stated): gnomAD exomes 0.00001; gnomAD 0.00005; TOPMed 0.00005.
gnomAD v4.1: 14 of 1,077,376 alleles (0.0013%); highest among the groups gnomAD compares: African/African-American, 0.0097%; no homozygotes.

Submission:

Labcorp Genetics (formerly Invitae), Labcorp
Classification: Uncertain significance for Idiopathic generalized epilepsy. Last evaluated: 2025-05-07. Review status: criteria provided, single submitter. Criteria: Invitae Variant Classification Sherloc (09022015). Collection method: clinical testing. Allele origin: germline.
Comment: This sequence change replaces glutamic acid, which is acidic and polar, with lysine, which is basic and polar, at codon 21 of the RBFOX3 protein (p.Glu21Lys). The frequency data for this variant in the population databases is considered unreliable, as metrics indicate poor data quality at this position in the gnomAD database. This variant has not been reported in the literature in individuals affected with RBFOX3-related conditions. ClinVar contains an entry for this variant (Variation ID: 1365367). Invitae Evidence Modeling of protein sequence and biophysical properties (such as structural, functional, and spatial information, amino acid conservation, physicochemical variation, residue mobility, and thermodynamic stability) indicates that this missense variant is not expected to disrupt RBFOX3 protein function with a negative predictive value of 80%. In summary, the available evidence is currently insufficient to determine the role of this variant in disease. Therefore, it has been classified as a Variant of Uncertain Significance.

NM_001350451.2(RBFOX3):c.61G>A (p.Glu21Lys)

Gene: RBFOX3 (RNA binding fox-1 homolog 3; minus strand). Cytogenetic location: 17q25.3.
Variant type: single nucleotide variant.
Coding change: c.61G>A on transcript NM_001350451.2 (MANE Select); coding-DNA position 61, G replaced by A.
Protein change: p.Glu21Lys; replaces glutamic acid 21 with lysine.
Molecular consequence: missense variant.
Genome position (GRCh38, 1-based): chr17:79,115,655, C>T on the plus strand (G>A on the coding strand, the complement: RBFOX3 is on the minus strand). VCF-style: chr17-79115655-C-T. GRCh37 (hg19) VCF-style: chr17-77111737-C-T.
Other names: c.61G>A, p.Glu21Lys (NM_001082575.3, NM_001350453.2, NM_001385804.1 and 43 more transcripts); short protein forms E21K.
Identifiers: ClinVar variation 1365367 (VCV001365367.8), dbSNP rs1055293531, ClinGen allele CA294804073.